The following is an entry in ClinVar:

ClinVar aggregate classification (germline): Uncertain significance. Review status: criteria provided, multiple submitters, no conflicts (2 of 4 stars). 2 submissions from 2 submitters: Uncertain significance (2). Last evaluated 2025-09-03.

Allele frequency attached by ClinVar (database versions not stated): gnomAD 0.00001; gnomAD exomes 0.00001; TOPMed 0.00002; ExAC 0.00005.
gnomAD v4.1: 18 of 1,614,000 alleles (0.0011%); highest among the groups gnomAD compares: East Asian, 0.036%; no homozygotes.

Submissions (2):

Labcorp Genetics (formerly Invitae), Labcorp
Classification: Uncertain significance. Last evaluated: 2025-09-03. Review status: criteria provided, single submitter. Criteria: Invitae Variant Classification Sherloc (09022015). Collection method: clinical testing. Allele origin: germline.
Comment: This sequence change replaces asparagine, which is neutral and polar, with histidine, which is basic and polar, at codon 1130 of the NIN protein (p.Asn1130His). This variant is present in population databases (rs767279613, gnomAD 0.08%), and has an allele count higher than expected for a pathogenic variant. This variant has not been reported in the literature in individuals affected with NIN-related conditions. ClinVar contains an entry for this variant (Variation ID: 1912467). An algorithm developed to predict the effect of missense changes on protein structure and function (PolyPhen-2) suggests that this variant is likely to be disruptive. In summary, the available evidence is currently insufficient to determine the role of this variant in disease. Therefore, it has been classified as a Variant of Uncertain Significance.

Ambry Genetics
Classification: Uncertain significance. Last evaluated: 2023-10-25. Review status: criteria provided, single submitter. Criteria: Ambry Variant Classification Scheme 2023. Collection method: clinical testing. Allele origin: germline.

NM_020921.4(NIN):c.3388A>C (p.Asn1130His)

Gene: NIN (ninein; minus strand). Cytogenetic location: 14q22.1.
Variant type: single nucleotide variant.
Coding change: c.3388A>C on transcript NM_020921.4 (MANE Select); coding-DNA position 3388, A replaced by C.
Protein change: p.Asn1130His; replaces asparagine 1130 with histidine.
Molecular consequence: missense variant. On other transcripts: intron variant (1).
Genome position (GRCh38, 1-based): chr14:50,757,642, T>G on the plus strand (A>C on the coding strand, the complement: NIN is on the minus strand). VCF-style: chr14-50757642-T-G. GRCh37 (hg19) VCF-style: chr14-51224360-T-G.
Other names: c.3388A>C, p.Asn1130His (NM_182944.3, NM_182946.2); c.2399+2215A>C (NM_016350.5); c.3388A>C (NM_020921.3); short protein forms N1130H.
Identifiers: ClinVar variation 1912467 (VCV001912467.6), dbSNP rs767279613, ClinGen allele CA7181748.